The following is an entry in ClinVar:

NM_000426.4(LAMA2):c.3556-2A>T

Gene: LAMA2 (laminin subunit alpha 2; plus strand). Cytogenetic location: 6q22.33.
Variant type: single nucleotide variant.
Coding change: c.3556-2A>T on transcript NM_000426.4 (MANE Select); the canonical splice acceptor site of the intron before coding-DNA position 3556, A replaced by T.
Molecular consequence: splice acceptor variant.
Genome position (GRCh38, 1-based): chr6:129,315,474, A>T. VCF-style: chr6-129315474-A-T. GRCh37 (hg19) VCF-style: chr6-129636619-A-T.
Other names: c.3556-2A>T (NM_001079823.2).
Identifiers: ClinVar variation 2024624 (VCV002024624.4), dbSNP rs2482414524, ClinGen allele CA365612572.

ClinVar aggregate classification (germline): Likely pathogenic (1 of 4 stars; one submission).

Conditions:
LAMA2-related muscular dystrophy (LAMA2-RD). Also called: Laminin alpha 2-related dystrophy. Identifiers: MedGen C5679788, MONDO:0100228.

Submission:

Labcorp Genetics (formerly Invitae), Labcorp
Classification: Likely pathogenic for LAMA2-related muscular dystrophy. Last evaluated: 2022-08-19. Review status: criteria provided, single submitter. Criteria: Invitae Variant Classification Sherloc (09022015). Collection method: clinical testing. Allele origin: germline.
Comment: In summary, the currently available evidence indicates that the variant is pathogenic, but additional data are needed to prove that conclusively. Therefore, this variant has been classified as Likely Pathogenic. Algorithms developed to predict the effect of sequence changes on RNA splicing suggest that this variant may disrupt the consensus splice site. This variant has not been reported in the literature in individuals affected with LAMA2-related conditions. This variant is not present in population databases (gnomAD no frequency). This sequence change affects an acceptor splice site in intron 24 of the LAMA2 gene. It is expected to disrupt RNA splicing. Variants that disrupt the donor or acceptor splice site typically lead to a loss of protein function (PMID: 16199547), and loss-of-function variants in LAMA2 are known to be pathogenic (PMID: 18700894, 32904964).

Literature cited by the submitters: PubMed 16199547; PubMed 18700894; PubMed 32904964.